The following is an entry in ClinVar:

ClinVar aggregate classification (germline): Likely benign. Review status: reviewed by expert panel (3 of 4 stars). 16 submissions from 15 submitters: Likely benign (1). 15 of the submissions do not count toward it. Last evaluated 2025-07-01.

Conditions:
KCNQ1-related disorder. Also called: KCNQ1-related condition; KCNQ1-related disorders. Identifiers: MedGen CN239322.
Cardiovascular phenotype. Identifiers: MedGen CN230736.
Ventricular fibrillation. Identifiers: MedGen C0042510, MONDO:0000190, HP:0001663.
Long QT syndrome (LQTS). Identifiers: MedGen C0023976, MeSH D008133, MONDO:0002442. Disease mechanism: loss of function. Inheritance: Various modes of inheritance.
Atrial fibrillation, familial, 3 (ATFB3). Identifiers: MedGen C1837014, MONDO:0011857, OMIM 607554.
Long QT syndrome 1 (LQT1). Identifiers: Orphanet 101016, Orphanet 768, MedGen C4551647, MONDO:0100316, OMIM 192500, MONDO:0008646.

Submissions (16):

ClinGen Potassium Channel Arrhythmia Variant Curation Expert Panel, ClinGen
Classification: Likely benign for Long QT syndrome 1. Last evaluated: 2025-07-01. Review status: reviewed by expert panel. Criteria: ClinGen KChannel ACMG Specifications KCNQ1 V1.0.0 2. Collection method: curation. Allele origin: germline. Inheritance: Autosomal dominant inheritance.
Comment: NM_000218.3(KCNQ1):c.160_168dup (p.Pro56_Gly57insIleAlaPro) is an in-frame insertion of nine nucleotides within a non-repeat region of KCNQ1 (PM4). This variant is present in gnomAD v.4.1.0 at a maximum allele frequency of 0.03002, with 1,854 alleles / 61,766 total alleles in the African/African American population, which is higher than the ClinGen Potassium Channel Arrhythmia VCEP BA1 threshold of >0.004 (BA1). This variant has been reported in at least one affected proband with a diagnosis of long QT syndrome, however, available reported details are not sufficiently specific for long QT syndrome 1, so the PP4 and PS4 codes are not met (PMID: 28438721). This variant has been shown to disrupt KCNQ1 function in only one patch-clamp assay, so experimental evidence is not sufficient to meet PS3_Supporting (PMID 19646991). In summary, this variant meets the criteria to be classified as likely benign for long QT syndrome 1 based on the ACMG/AMP criteria applied, as specified by the ClinGen Potassium Channel Arrhythmia VCEP: BA1 and PM4. (VCEP specifications version 1.0.0; date of approval 03/04/2025).

CeGaT Center for Human Genetics Tuebingen
Classification: Benign. Last evaluated: 2026-09-01. Review status: criteria provided, single submitter. Criteria: CeGaT Center For Human Genetics Tuebingen Variant Classification Criteria Version 2. Collection method: clinical testing. Allele origin: germline. Affected: yes. Observed: 7 variant alleles. Not counted in ClinVar's aggregate classification.
Comment: KCNQ1: BS1, BS2

Labcorp Genetics (formerly Invitae), Labcorp
Classification: Benign for Long QT syndrome. Last evaluated: 2026-02-03. Review status: criteria provided, single submitter. Criteria: Invitae Variant Classification Sherloc (09022015). Collection method: clinical testing. Allele origin: germline. Not counted in ClinVar's aggregate classification.

ARUP Laboratories, Molecular Genetics and Genomics, ARUP Laboratories
Classification: Likely benign. Last evaluated: 2025-05-15. Review status: criteria provided, single submitter. Criteria: ARUP Molecular Germline Variant Investigation Process 2024. Collection method: clinical testing. Allele origin: germline. Not counted in ClinVar's aggregate classification.

Molecular Diagnostic Laboratory for Inherited Cardiovascular Disease, Montreal Heart Institute
Classification: Likely benign. Last evaluated: 2025-04-09. Review status: criteria provided, single submitter. Criteria: ACMG Guidelines, 2015. Collection method: clinical testing. Allele origin: germline. Affected: no. Not counted in ClinVar's aggregate classification.

Blueprint Genetics
Classification: Likely benign. Last evaluated: 2024-11-22. Review status: criteria provided, single submitter. Criteria: ACMG Guidelines, 2015. Collection method: clinical testing. Allele origin: germline. Not counted in ClinVar's aggregate classification.

Women's Health and Genetics/Laboratory Corporation of America, LabCorp
Classification: Benign. Last evaluated: 2024-06-24. Review status: criteria provided, single submitter. Criteria: LabCorp Variant Classification Summary - May 2015. Collection method: clinical testing. Allele origin: germline. Not counted in ClinVar's aggregate classification.
Comment: Variant summary: KCNQ1 c.160_168dupATCGCGCCC (p.Ile54_Pro56dup) results in an in-frame duplication that is predicted to duplicate three amino acids into the encoded protein. The variant allele was found at a frequency of 0.0017 in 1200626 control chromosomes, predominantly at a frequency of 0.03 within the African or African-American subpopulation in the gnomAD database (v4), including 31 homozygotes. The observed variant frequency within African or African-American control individuals in the gnomAD database is approximately 300 fold of the estimated maximal expected allele frequency for a pathogenic variant in KCNQ1 causing Arrhythmia phenotype (0.0001). c.160_168dupATCGCGCCC has been reported in the literature in individuals affected with Arrhythmia as well as in control population (e.g. Abraham_2010, Berge_2008, Ackerman_2003, Tester_2005_01, Kapa_2009, Hassnan_2017, Millat_2014). In a family with familial atrial fibrillation, this variant was reported with inconclusive co-segregation of this variant with disease (Abraham_2010). This family however, was not comprehensively screened for mutations in all susceptibility genes. Co-occurrences with other pathogenic variants have been reported (KCNQ1 c.674C>T, p.Ser225Leu; KCNH2 c.1841C>T, p.Ala614Val) in our internal database. In vitro functional study detected partial defect of the channel properties (Abraham_2010), suggesting that it could be a functional polymorphism.. The following publications have been ascertained in the context of this evaluation (PMID: 14661677, 17210839, 15913580, 19841300, 19646991, 18752142, 22947121, 22818067, 24687331, 28438721). ClinVar contains an entry for this variant (Variation ID: 42487). Based on the evidence outlined above, the variant was classified as benign.

Mayo Clinic Laboratories, Mayo Clinic
Classification: Benign. Last evaluated: 2023-12-27. Review status: criteria provided, single submitter. Criteria: ACMG Guidelines, 2015. Collection method: clinical testing. Allele origin: germline. Observed: 7 variant alleles. Not counted in ClinVar's aggregate classification.
Comment: BS1, BS2

Center for Advanced Laboratory Medicine, UC San Diego Health, University of California San Diego
Classification: Likely benign for Ventricular fibrillation. Last evaluated: 2019-05-20. Review status: criteria provided, single submitter. Criteria: ACMG Guidelines, 2015. Collection method: clinical testing. Allele origin: germline. Affected: yes. Observed: 1 variant allele. Not counted in ClinVar's aggregate classification.

GeneDx
Classification: Benign. Last evaluated: 2018-07-17. Review status: criteria provided, single submitter. Criteria: GeneDx Variant Classification Process June 2021. Collection method: clinical testing. Allele origin: germline. Affected: yes. Not counted in ClinVar's aggregate classification.
Comment: This variant is associated with the following publications: (PMID: 18752142, 14661677, 17210839, 19646991, 28438721, 32048431, 30847666)

Laboratory for Molecular Medicine, Mass General Brigham Personalized Medicine
Classification: Benign. Last evaluated: 2017-05-18. Review status: criteria provided, single submitter. Criteria: LMM Criteria. Collection method: clinical testing. Allele origin: germline. Observed: 13 variant alleles. Not counted in ClinVar's aggregate classification.
Comment: p.Ile54_Pro56dup in Exon 1 of KCNQ1: This variant is not expected to have clinic al significance because it has been identified in 2.9% (250/8370) of African ch romosomes by the Genome Aggregation Database (gnomAD; dbSNP rs561562768). It has been reported in two individuals with cardia c arrhythmias (1/182 LQTS, Berge 2008; 1/231 AF, Abraham 2010) and segregated in three affected individuals in one family, though phenotypes were unknown in 2 o ther mutation carriers (Abraham 2010). In addition, one study demonstrated some alteration of channel properties (Abraham 2010) although this study was only in vitro such that correlation to a clinical phenotype was not possible. This varia nt was also identified in several healthy control cohorts (0.3% 4/1488 chromosom es, Ackerman 2003; 1/364 chromosomes, Arnestad 2007; 2.1% (2/94) African-America n control chromosomes, Abraham 2010) and is now listed in the KCNQ1 database as a benign variant. In summary, given t he high frequency of the variant in spite of the reports in the literature, this variant is benign for a reasonably penetrant disease variant and insufficient b iological evidence for a clinically relevant impact to protein function, we have classified this variant as likely benign.

Eurofins Ntd Llc (ga)
Classification: Benign. Last evaluated: 2016-08-17. Review status: criteria provided, single submitter. Criteria: EGL Classification Definitions. Collection method: clinical testing. Allele origin: germline. Observed: 1 variant allele, 1 heterozygote. Not counted in ClinVar's aggregate classification.

Ambry Genetics
Classification: Uncertain significance for cardiovascular phenotype. Last evaluated: 2013-03-02. Review status: criteria provided, single submitter. Criteria: Ambry Autosomal Dominant and X-Linked criteria (10/2015). Collection method: clinical testing. Allele origin: germline. Observed: 1 variant allele. Not counted in ClinVar's aggregate classification.

PreventionGenetics, part of Exact Sciences
Classification: Likely benign for KCNQ1-related condition. Last evaluated: 2020-03-09. Review status: no assertion criteria provided. Collection method: clinical testing. Allele origin: germline. Not counted in ClinVar's aggregate classification.
Comment: This variant is classified as likely benign based on ACMG/AMP sequence variant interpretation guidelines (Richards et al. 2015 PMID: 25741868, with internal and published modifications).

OMIM
Classification: Pathogenic for ATRIAL FIBRILLATION, FAMILIAL, 3. Last evaluated: 2010-01-01. Review status: no assertion criteria provided. Collection method: literature only. Allele origin: germline. Not counted in ClinVar's aggregate classification.

Ambry Genetics
Classification: Uncertain significance for cardiovascular phenotype. Last evaluated: 2013-02-27. Review status: flagged submission. Criteria: Ambry Autosomal Dominant and X-Linked criteria (10/2015). Collection method: clinical testing. Allele origin: germline. Observed: 1 variant allele. Not counted in ClinVar's aggregate classification.
ClinVar note: Reason: This record appears to be redundant with a more recent record from the same submitter.
ClinVar note: Notes: SCV000318444 appears to be redundant with SCV000318524.

Literature cited by the submitters: PubMed 14661677 (cited by Women's Health and Genetics/Laboratory Corporation of America, LabCorp and Laboratory for Molecular Medicine, Mass General Brigham Personalized Medicine); PubMed 17210839 (cited by Women's Health and Genetics/Laboratory Corporation of America, LabCorp and Laboratory for Molecular Medicine, Mass General Brigham Personalized Medicine); PubMed 15913580 (cited by Women's Health and Genetics/Laboratory Corporation of America, LabCorp); PubMed 19841300 (cited by Women's Health and Genetics/Laboratory Corporation of America, LabCorp); PubMed 19646991 (cited by 3 submitters); PubMed 18752142 (cited by Women's Health and Genetics/Laboratory Corporation of America, LabCorp and Laboratory for Molecular Medicine, Mass General Brigham Personalized Medicine); PubMed 22947121 (cited by Women's Health and Genetics/Laboratory Corporation of America, LabCorp); PubMed 22818067 (cited by Women's Health and Genetics/Laboratory Corporation of America, LabCorp); PubMed 24687331 (cited by Women's Health and Genetics/Laboratory Corporation of America, LabCorp); PubMed 28438721 (cited by Women's Health and Genetics/Laboratory Corporation of America, LabCorp).

NM_000218.3(KCNQ1):c.160_168dup (p.Ile54_Pro56dup)

Gene: KCNQ1 (potassium voltage-gated channel subfamily Q member 1; plus strand). Cytogenetic location: 11p15.5.
Variant type: Duplication.
Coding change: c.160_168dup on transcript NM_000218.3 (MANE Select); coding-DNA positions 160 to 168, 9 bases duplicated (ATCGCGCCC; older notation c.160_168dupATCGCGCCC).
Protein change: p.Ile54_Pro56dup.
Molecular consequence: inframe insertion.
Genome position (GRCh38, 1-based): chr11:2,445,258-2,445,266, ATCGCGCCC duplicated; duplicating any 9 consecutive bases within chr11:2,445,251-2,445,266 gives the same sequence; the c. name uses the placement nearest the transcript's 3' end. VCF-style (leftmost placement, unchanged base first): chr11-2445250-A-ACGCGCCCAT. GRCh37 (hg19) VCF-style: chr11-2466480-A-ACGCGCCCAT.
Other names: p.Ile54_Pro56dup; NM_000218.3(KCNQ1):c.160_168dup; c.160_168dupATCGCGCCC (NM_000218.2, NM_000218.3).
Identifiers: ClinVar variation 42487 (VCV000042487.49), dbSNP rs397515877, ClinGen allele CA006159.